The following is an entry in ClinVar:

ClinVar aggregate classification (germline): Likely benign. Review status: criteria provided, multiple submitters, no conflicts (2 of 4 stars). 2 submissions from 2 submitters: Likely benign (2). Last evaluated 2024-12-30.

Conditions:
WFS1-related disorder. Identifiers: MedGen CN379391, MONDO:0700293.

gnomAD v4.1: 41 of 1,612,502 alleles (0.0025%); highest among the groups gnomAD compares: Non-Finnish European, 0.0033%; no homozygotes.

Submissions (2):

PreventionGenetics, part of Exact Sciences
Classification: Likely benign for WFS1-related condition. Last evaluated: 2024-12-30. Review status: criteria provided, single submitter. Criteria: ACMG Guidelines, 2015. Collection method: clinical testing. Allele origin: germline.
Comment: This variant is classified as likely benign based on ACMG/AMP sequence variant interpretation guidelines (Richards et al. 2015 PMID: 25741868, with internal and published modifications).

GeneDx
Classification: Likely benign. Last evaluated: 2019-10-25. Review status: criteria provided, single submitter. Criteria: GeneDx Variant Classification Process June 2021. Collection method: clinical testing. Allele origin: germline. Affected: yes.
Comment: Not observed at a significant frequency in large population cohorts (Lek et al., 2016)

NM_006005.3(WFS1):c.*1G>C

Gene: WFS1 (wolframin ER transmembrane glycoprotein; plus strand). Cytogenetic location: 4p16.1.
Variant type: single nucleotide variant.
Coding change: c.*1G>C on transcript NM_006005.3 (MANE Select); 1 bases downstream of the stop codon, G replaced by C.
Molecular consequence: 3 prime UTR variant.
Genome position (GRCh38, 1-based): chr4:6,302,469, G>C. VCF-style: chr4-6302469-G-C. GRCh37 (hg19) VCF-style: chr4-6304196-G-C.
Other names: c.*1G>C (NM_001145853.1).
Identifiers: ClinVar variation 1202146 (VCV001202146.4), dbSNP rs779376739, ClinGen allele CA2839830.